The following is an entry in ClinVar:

ClinVar aggregate classification (germline): Uncertain significance (1 of 4 stars; one submission).

Conditions:
Inborn genetic diseases. Identifiers: MedGen C0950123, MeSH D030342.

Allele frequency attached by ClinVar (database versions not stated): TOPMed below 0.00001; gnomAD 0.00001.
gnomAD v4.1: 1 of 1,613,218 alleles (0.000062%); highest among the groups gnomAD compares: African/African-American, 0.0013%; no homozygotes.

Submission:

Ambry Genetics
Classification: Uncertain significance for Inborn genetic diseases. Last evaluated: 2022-09-20. Review status: criteria provided, single submitter. Criteria: Ambry Variant Classification Scheme 2023. Collection method: clinical testing. Allele origin: germline.
Comment: The p.A401G variant (also known as c.1202C>G), located in coding exon 9 of the EPAS1 gene, results from a C to G substitution at nucleotide position 1202. The alanine at codon 401 is replaced by glycine, an amino acid with similar properties. This amino acid position is conserved. In addition, this alteration is predicted to be tolerated by in silico analysis. Since supporting evidence is limited at this time, the clinical significance of this alteration remains unclear.

NM_001430.5(EPAS1):c.1202C>G (p.Ala401Gly)

Gene: EPAS1 (endothelial PAS domain protein 1; plus strand). Cytogenetic location: 2p21.
Variant type: single nucleotide variant.
Coding change: c.1202C>G on transcript NM_001430.5 (MANE Select); coding-DNA position 1202, C replaced by G.
Protein change: p.Ala401Gly; replaces alanine 401 with glycine.
Molecular consequence: missense variant.
Genome position (GRCh38, 1-based): chr2:46,376,706, C>G. VCF-style: chr2-46376706-C-G. GRCh37 (hg19) VCF-style: chr2-46603845-C-G.
Other names: short protein forms A401G.
Identifiers: ClinVar variation 1747859 (VCV001747859.2), dbSNP rs756463365, ClinGen allele CA346703408.
Genomic context (GRCh38, chr2:46,376,706, plus strand): 5'-CTGTGTCTGAGAAGAGTAACTTCCTATTCACCAAGCTAAAGGAGGAGCCCGAGGAGCTGG[C>G]CCAGCTGGCTCCCACCCCAGGAGACGCCATCATCTCTCTGGATTTCGGTGGGTGCTTCTT-3'
Protein context (NP_001421.2, residues 391-411): TKLKEEPEEL[Ala401Gly]QLAPTPGDAI